The following is an entry in ClinVar:

ClinVar aggregate classification (germline): Uncertain significance (1 of 4 stars; one submission).

Conditions:
Genitopatellar syndrome (GTPTS). Also called: ABSENT PATELLAE, SCROTAL HYPOPLASIA, RENAL ANOMALIES, FACIAL DYSMORPHISM, AND MENTAL RETARDATION; Genitopatellar syndrome (GPS). Identifiers: Orphanet 85201, MedGen C1853566, MONDO:0011640, OMIM 606170.

gnomAD v4.1: 2 of 1,614,168 alleles (0.00012%); highest among the groups gnomAD compares: Non-Finnish European, 0.000085%; no homozygotes.

Submission:

Labcorp Genetics (formerly Invitae), Labcorp
Classification: Uncertain significance for Genitopatellar syndrome. Last evaluated: 2024-05-19. Review status: criteria provided, single submitter. Criteria: Invitae Variant Classification Sherloc (09022015). Collection method: clinical testing. Allele origin: germline.
Comment: This sequence change replaces glutamine, which is neutral and polar, with arginine, which is basic and polar, at codon 1456 of the KAT6B protein (p.Gln1456Arg). This variant is not present in population databases (gnomAD no frequency). This variant has not been reported in the literature in individuals affected with KAT6B-related conditions. Advanced modeling of protein sequence and biophysical properties (such as structural, functional, and spatial information, amino acid conservation, physicochemical variation, residue mobility, and thermodynamic stability) performed at Invitae indicates that this missense variant is not expected to disrupt KAT6B protein function with a negative predictive value of 80%. In summary, the available evidence is currently insufficient to determine the role of this variant in disease. Therefore, it has been classified as a Variant of Uncertain Significance.

NM_012330.4(KAT6B):c.4367A>G (p.Gln1456Arg)

Gene: KAT6B (lysine acetyltransferase 6B; plus strand). Cytogenetic location: 10q22.2.
Variant type: single nucleotide variant.
Coding change: c.4367A>G on transcript NM_012330.4 (MANE Select); coding-DNA position 4367, A replaced by G.
Protein change: p.Gln1456Arg; replaces glutamine 1456 with arginine.
Molecular consequence: missense variant.
Genome position (GRCh38, 1-based): chr10:75,029,191, A>G. VCF-style: chr10-75029191-A-G. GRCh37 (hg19) VCF-style: chr10-76788949-A-G.
Other names: c.3818A>G, p.Gln1273Arg (NM_001256468.2, NM_001370138.1); c.3491A>G, p.Gln1164Arg (NM_001256469.2, NM_001370139.1, NM_001370140.1 and 2 more transcripts); c.3329A>G, p.Gln1110Arg (NM_001370132.1); c.2678A>G, p.Gln893Arg (NM_001370133.1); c.2282A>G, p.Gln761Arg (NM_001370134.1); c.2024A>G, p.Gln675Arg (NM_001370135.1); c.4367A>G, p.Gln1456Arg (NM_001370136.1, NM_001370137.1); c.3302A>G, p.Gln1101Arg (NM_001370143.1, NM_001370144.1); short protein forms Q1164R, Q1110R, Q893R, Q1273R, Q1456R, Q761R, Q1101R, Q675R.
Identifiers: ClinVar variation 3630689 (VCV003630689.2).